The following is an entry in ClinVar:

NM_001100.4(ACTA1):c.616+5G>A

Gene: ACTA1 (actin alpha 1, skeletal muscle; minus strand). Cytogenetic location: 1q42.13.
Variant type: single nucleotide variant.
Coding change: c.616+5G>A on transcript NM_001100.4 (MANE Select); 5 bases into the intron after coding-DNA position 616, G replaced by A.
Molecular consequence: intron variant.
Genome position (GRCh38, 1-based): chr1:229,432,265, C>T on the plus strand (G>A on the coding strand, the complement: ACTA1 is on the minus strand). VCF-style: chr1-229432265-C-T. GRCh37 (hg19) VCF-style: chr1-229568012-C-T.
Identifiers: ClinVar variation 849844 (VCV000849844.8), dbSNP rs773010488, ClinGen allele CA1442837.

ClinVar aggregate classification (germline): Uncertain significance (1 of 4 stars; one submission).

Conditions:
Actin accumulation myopathy (CMYO2A). Also called: CONGENITAL MYOPATHY 2A, TYPICAL, AUTOSOMAL DOMINANT; Nemaline myopathy type 3; Myopathy, actin, congenital, with excess of thin myofilaments; Myopathy, actin, congenital, with cores; Nemaline myopathy 3, with intranuclear rods. Identifiers: Orphanet 98904, MedGen C3711389, MONDO:0008070, OMIM 161800.

Allele frequency attached by ClinVar (database versions not stated): gnomAD exomes below 0.00001; ExAC 0.00001; TOPMed 0.00002; gnomAD 0.00001.

Submission:

Labcorp Genetics (formerly Invitae), Labcorp
Classification: Uncertain significance for Actin accumulation myopathy. Last evaluated: 2022-11-15. Review status: criteria provided, single submitter. Criteria: Invitae Variant Classification Sherloc (09022015). Collection method: clinical testing. Allele origin: germline.
Comment: ClinVar contains an entry for this variant (Variation ID: 849844). In summary, the available evidence is currently insufficient to determine the role of this variant in disease. Therefore, it has been classified as a Variant of Uncertain Significance. Variants that disrupt the consensus splice site are a relatively common cause of aberrant splicing (PMID: 17576681, 9536098). Algorithms developed to predict the effect of sequence changes on RNA splicing suggest that this variant is not likely to affect RNA splicing. This variant has not been reported in the literature in individuals affected with ACTA1-related conditions. This variant is present in population databases (rs773010488, gnomAD 0.0009%). This sequence change falls in intron 4 of the ACTA1 gene. It does not directly change the encoded amino acid sequence of the ACTA1 protein. It affects a nucleotide within the consensus splice site.

Literature cited by the submitters: PubMed 17576681; PubMed 9536098.